The following is an entry in ClinVar:

ClinVar aggregate classification (germline): Conflicting classifications of pathogenicity. Review status: criteria provided, conflicting classifications (1 of 4 stars). 11 submissions from 11 submitters: Uncertain significance (4); Likely benign (5). 2 of the submissions do not count toward it. Last evaluated 2025-12-20.

Conditions:
Hereditary cancer-predisposing syndrome. Also called: Hereditary Cancer Syndrome; Tumor predisposition; Neoplastic Syndromes, Hereditary; Hereditary neoplastic syndrome. Identifiers: Orphanet 140162, MedGen C0027672, MeSH D009386, MONDO:0015356.
Hereditary breast ovarian cancer syndrome. Also called: Breast and ovarian cancer; BRCA1- and BRCA2-Associated Hereditary Breast and Ovarian Cancer; Hereditary breast and ovarian cancer; Hereditary breast and ovarian cancer syndrome (HBOC); Hereditary breast and ovarian cancer syndrome; Hereditary breast and/or ovarian cancer syndrome. Identifiers: Orphanet 145, MedGen C0677776, MeSH D061325, MONDO:0003582. Disease mechanism: loss of function.
Breast-ovarian cancer, familial, susceptibility to, 2 (BROVCA2). Also called: BRCA2 Hereditary Breast and Ovarian Cancer. Identifiers: Orphanet 145, MedGen C2675520, MONDO:0012933, OMIM 612555. Disease mechanism: loss of function.

Allele frequency attached by ClinVar (database versions not stated): TOPMed below 0.00001; gnomAD exomes 0.00001.
gnomAD v4.1: 4 of 1,613,960 alleles (0.00025%); highest among the groups gnomAD compares: Middle Eastern, 0.017%; no homozygotes.

Submissions (11):

Labcorp Genetics (formerly Invitae), Labcorp
Classification: Likely benign for Hereditary breast ovarian cancer syndrome. Last evaluated: 2025-12-20. Review status: criteria provided, single submitter. Criteria: Invitae Variant Classification Sherloc (09022015). Collection method: clinical testing. Allele origin: germline.

Molecular Diagnostics Laboratory, Catalan Institute of Oncology
Classification: Likely benign for Hereditary cancer-predisposing syndrome. Last evaluated: 2025-06-26. Review status: criteria provided, single submitter. Criteria: ClinGen BRCA1BRCA2 ACMG Specifications BRCA2 V1.0.0. Collection method: clinical testing. Allele origin: germline.
Comment: c.5479A>G, located in exon 11 of the BRCA2 gene, is predicted to result in the substitution of Ile with Val at codon 1827, p.(Ile1827Val). This position is outside a (potentially) clinically important functional domain, and the SpliceAI algorithm predicts no significant impact on splicing (BP1_strong). It is not present in the population database gnomAD v2.1.1, non-cancer dataset (PM2_Supporting). Published clinical data for a multifactorial likelihood analysis (PMID: 31131967) showed a combined LR=0.16 (BP5_Moderate). In addition, the variant has been reported in the ClinVar (4x likely benign, 5x uncertain significance) and BRCA Exchange (not yet reviewed) databases, but not in the LOVD database. Based on the currently available evidence, c.5479A>G is classified as a likely benign variant.

Women's Health and Genetics/Laboratory Corporation of America, LabCorp
Classification: Uncertain significance. Last evaluated: 2025-05-19. Review status: criteria provided, single submitter. Criteria: LabCorp Variant Classification Summary - May 2015. Collection method: clinical testing. Allele origin: germline.
Comment: Variant summary: BRCA2 c.5479A>G (p.Ile1827Val) results in a conservative amino acid change in the encoded protein sequence. Algorithms developed to predict the effect of missense changes on protein structure and function all suggest that this variant is likely to be tolerated. The variant was absent in 251036 control chromosomes. The available data on variant occurrences in the general population are insufficient to allow any conclusion about variant significance. c.5479A>G has been observed in individual(s) affected with Hereditary Breast And Ovarian Cancer Syndrome (example: Nguyen-Dumont_2020, Khailany_2021). These report(s) do not provide unequivocal conclusions about association of the variant with Hereditary Breast And Ovarian Cancer Syndrome. To our knowledge, no experimental evidence demonstrating an impact on protein function has been reported. The following publications have been ascertained in the context of this evaluation (PMID: 32772980, 34933735, 31911673). ClinVar contains an entry for this variant (Variation ID: 51871). Based on the evidence outlined above, the variant was classified as uncertain significance.

Quest Diagnostics Nichols Institute San Juan Capistrano
Classification: Uncertain significance. Last evaluated: 2024-12-06. Review status: criteria provided, single submitter. Criteria: Quest Diagnostics criteria. Collection method: clinical testing. Allele origin: unknown.
Comment: The BRCA2 c.5479A>G (p.Ile1827Val) variant has been reported in the published literature in individuals with breast cancer and or ovarian cancer (PMID: 27062684 (2016), 32772980 (2020), 34933735 (2021), Bahsi et al (Turkish Journal of Biochemistry. 2019; 45. 83-90. 10). In a large-scale breast cancer association study, the variant was observed in individuals with breast cancer (PMID: 33471991 (2021), see also LOVD). This variant is reported as being likely benign in a multifactorial likelihood study (PMID: 31131967 (2019)) and is also described to be located in a region of the BRCA2 gene that is tolerant to missense sequence changes (PMID: 31911673 (2020)). This variant has not been reported in large, multi-ethnic general populations (Genome Aggregation Database). Analysis of this variant using bioinformatics tools for the prediction of the effect of amino acid changes on protein structure and function yielded predictions that this variant is benign. Based on the available information, we are unable to determine the clinical significance of this variant.

Color Diagnostics, LLC DBA Color Health
Classification: Uncertain significance for Hereditary cancer-predisposing syndrome. Last evaluated: 2023-12-12. Review status: criteria provided, single submitter. Criteria: ACMG Guidelines, 2015. Collection method: clinical testing. Allele origin: germline.
Comment: This missense variant replaces isoleucine with valine at codon 1827 of the BRCA2 protein. Computational prediction suggests that this variant may not impact protein structure and function (internally defined REVEL score threshold <= 0.5, PMID: 27666373). To our knowledge, functional studies have not been reported for this variant. This variant has been reported in individuals affected with breast and/or ovarian cancer (PMID: 27062684, 32772980, 33471991; Leiden Open Variation Database DB-ID BRCA2_003338; DOI 10.1515/tjb-2019-0424). One of these individuals also carried a known pathogenic variant in the BRCA1 or BRCA2 gene that could explain the observed phenotype (PMID: 27062684). This variant has not been identified in the general population by the Genome Aggregation Database (gnomAD). The available evidence is insufficient to determine the role of this variant in disease conclusively. Therefore, this variant is classified as a Variant of Uncertain Significance.

Ambry Genetics
Classification: Likely benign for Hereditary cancer-predisposing syndrome. Last evaluated: 2023-05-10. Review status: criteria provided, single submitter. Criteria: Ambry Variant Classification Scheme 2023. Collection method: clinical testing. Allele origin: germline.

University of Washington Department of Laboratory Medicine, University of Washington
Classification: Likely benign for Hereditary cancer-predisposing syndrome. Last evaluated: 2023-03-23. Review status: criteria provided, single submitter. Criteria: Dines et al. (Genet Med. 2020). Collection method: curation. Allele origin: germline.
Comment: Missense variant in a coldspot region where missense variants are very unlikely to be pathogenic (PMID:31911673).

BRCA2 exon 11 coldspot. Reclassification based on statistical prior probability.

GeneDx
Classification: Likely benign. Last evaluated: 2021-04-29. Review status: criteria provided, single submitter. Criteria: GeneDx Variant Classification Process June 2021. Collection method: clinical testing. Allele origin: germline. Affected: yes.
Comment: This variant is associated with the following publications: (PMID: 25348012, 27062684, 31131967, 32772980)

CeGaT Center for Human Genetics Tuebingen
Classification: Uncertain significance. Last evaluated: 2020-04-01. Review status: criteria provided, single submitter. Criteria: CeGaT Center For Human Genetics Tuebingen Variant Classification Criteria Version 2. Collection method: clinical testing. Allele origin: germline. Affected: yes. Observed: 1 variant allele.

Counsyl
Classification: Uncertain significance for Breast-ovarian cancer, familial, susceptibility to, 2. Last evaluated: 2016-05-10. Review status: no assertion criteria provided. Collection method: clinical testing. Allele origin: unknown. Not counted in ClinVar's aggregate classification.

Breast Cancer Information Core (BIC) (BRCA2)
Classification: Uncertain significance for Breast-ovarian cancer, familial 2. Review status: no assertion criteria provided. Collection method: clinical testing. Allele origin: germline. Affected: yes. Observed: 1 variant allele. Not counted in ClinVar's aggregate classification.

Literature cited by the submitters: PubMed 31911673 (cited by Women's Health and Genetics/Laboratory Corporation of America, LabCorp and Quest Diagnostics Nichols Institute San Juan Capistrano); PubMed 32772980 (cited by 4 submitters); PubMed 34933735 (cited by Women's Health and Genetics/Laboratory Corporation of America, LabCorp and Quest Diagnostics Nichols Institute San Juan Capistrano); PubMed 33471991 (cited by Quest Diagnostics Nichols Institute San Juan Capistrano and Color Diagnostics, LLC DBA Color Health); PubMed 27062684 (cited by Quest Diagnostics Nichols Institute San Juan Capistrano and Color Diagnostics, LLC DBA Color Health); PubMed 31131967 (cited by Quest Diagnostics Nichols Institute San Juan Capistrano and Ambry Genetics); PubMed 29641532 (cited by Ambry Genetics); PubMed 29884841 (cited by Ambry Genetics).

NM_000059.4(BRCA2):c.5479A>G (p.Ile1827Val)

Gene: BRCA2 (BRCA2 DNA repair associated; plus strand). Cytogenetic location: 13q13.1.
Variant type: single nucleotide variant.
Coding change: c.5479A>G on transcript NM_000059.4 (MANE Select); coding-DNA position 5479, A replaced by G.
Protein change: p.Ile1827Val; replaces isoleucine 1827 with valine.
Molecular consequence: missense variant.
Genome position (GRCh38, 1-based): chr13:32,339,834, A>G. VCF-style: chr13-32339834-A-G. GRCh37 (hg19) VCF-style: chr13-32913971-A-G.
Other names: short protein forms I1827V.
Identifiers: ClinVar variation 51871 (VCV000051871.67), dbSNP rs80358770, ClinGen allele CA022413.